The following is an entry in ClinVar:

ClinVar aggregate classification (germline): Uncertain significance. Review status: criteria provided, multiple submitters, no conflicts (2 of 4 stars). 2 submissions from 2 submitters: Uncertain significance (2). Last evaluated 2021-04-10.

Conditions:
Hyperphosphatasia with impaired intellectual development syndrome 2. Also called: GLYCOSYLPHOSPHATIDYLINOSITOL BIOSYNTHESIS DEFECT 6; Hyperphosphatasia with intellectual disability syndrome 2. Identifiers: Orphanet 247262, MedGen C3553637, MONDO:0013882, OMIM 614749.

Submissions (2):

Labcorp Genetics (formerly Invitae), Labcorp
Classification: Uncertain significance for Hyperphosphatasia with impaired intellectual development syndrome 2. Last evaluated: 2021-04-10. Review status: criteria provided, single submitter. Criteria: Invitae Variant Classification Sherloc (09022015). Collection method: clinical testing. Allele origin: germline.
Comment: This sequence change replaces glycine with glutamic acid at codon 876 of the PIGO protein (p.Gly876Glu). The glycine residue is moderately conserved and there is a moderate physicochemical difference between glycine and glutamic acid. In summary, this variant is a novel missense change with uncertain impact on protein function. It has been classified as a Variant of Uncertain Significance. Algorithms developed to predict the effect of missense changes on protein structure and function do not agree on the potential impact of this missense change (SIFT: "Tolerated"; PolyPhen-2: "Possibly Damaging"; Align-GVGD: "Class C0"). This variant is not present in population databases (ExAC no frequency) and has not been reported in the literature in individuals with a PIGO-related disease.

GeneDx
Classification: Uncertain significance. Last evaluated: 2016-12-23. Review status: criteria provided, single submitter. Criteria: GeneDx Variant Classification (06012015). Collection method: clinical testing. Allele origin: germline. Affected: yes.
Comment: A variant of uncertain significance has been identified in the PIGO gene. The G876E variant has not been published as a pathogenic variant, nor has it been reported as a benign variant to our knowledge. The G876E variant is not observed in large population cohorts (Lek et al., 2016; 1000 Genomes Consortium et al., 2015; Exome Variant Server). The G876E variant is a non-conservative amino acid substitution, which is likely to impact secondary protein structure as these residues differ in polarity, charge, size and/or other properties. This substitution occurs at a position that is conserved in mammals and in silico analysis predicts this variant is probably damaging to the protein structure/function. However, missense variants in nearby residues have not been reported in Human Gene Mutation Database in association with PIGO-related disorders (Stenson et al., 2014). Therefore, based on the currently available information, it is unclear whether this variant is a pathogenic variant or a rare benign variant.

NM_032634.4(PIGO):c.2627G>A (p.Gly876Glu)

Gene: PIGO (phosphatidylinositol glycan anchor biosynthesis class O; minus strand). Cytogenetic location: 9p13.3.
Variant type: single nucleotide variant.
Coding change: c.2627G>A on transcript NM_032634.4 (MANE Select); coding-DNA position 2627, G replaced by A.
Protein change: p.Gly876Glu; replaces glycine 876 with glutamic acid.
Molecular consequence: missense variant.
Genome position (GRCh38, 1-based): chr9:35,091,260, C>T on the plus strand (G>A on the coding strand, the complement: PIGO is on the minus strand). VCF-style: chr9-35091260-C-T. GRCh37 (hg19) VCF-style: chr9-35091257-C-T.
Other names: c.1376G>A, p.Gly459Glu (NM_001201484.2, NM_152850.4); short protein forms G876E, G459E.
Identifiers: ClinVar variation 392026 (VCV000392026.9), dbSNP rs1057524330, ClinGen allele CA16605697.